The following is an entry in ClinVar:

NM_001110556.2(FLNA):c.7334-13_7334-11del

Gene: FLNA (filamin A; minus strand). Cytogenetic location: Xq28.
Variant type: Microsatellite.
Coding change: c.7334-13_7334-11del on transcript NM_001110556.2 (MANE Select); 13 bases into the intron before coding-DNA position 7334 through 11 bases into the intron before coding-DNA position 7334, 3 bases deleted (CCT; older notation c.7334-13_7334-11delCCT).
Molecular consequence: intron variant.
Genome position (GRCh38, 1-based): chrX:154,349,878-154,349,880, AGG deleted on the plus strand (CCT on the coding strand, the reverse complement: FLNA is on the minus strand); deleting any 3 consecutive bases within chrX:154,349,878-154,349,883 gives the same sequence; the c. name uses the placement nearest the transcript's 3' end. VCF-style (leftmost placement, unchanged base first): chrX-154349877-CAGG-C. GRCh37 (hg19) VCF-style: chrX-153578245-CAGG-C.
Other names: c.7310-13_7310-11del (NM_001456.4).
Identifiers: ClinVar variation 1947237 (VCV001947237.5), dbSNP rs1275563532, ClinGen allele CA873334574.

ClinVar aggregate classification (germline): Uncertain significance (1 of 4 stars; one submission).

Conditions:
Heterotopia, periventricular, X-linked dominant (PVNH1). Also called: PERIVENTRICULAR NODULAR HETEROTOPIA 1; PERIVENTRICULAR NODULAR HETEROTOPIA 4; HETEROTOPIA, PERIVENTRICULAR, 1; X-linked periventricular heterotopia. Identifiers: Orphanet 2149, Orphanet 82004, MedGen C1848213, MONDO:0010233, OMIM 300049.
Melnick-Needles syndrome (MNS). Also called: Melnick-Needles Syndrome (FLNA-MNS); MELNICK-NEEDLES OSTEODYSPLASTY; OSTEODYSPLASTY OF MELNICK AND NEEDLES. Identifiers: Orphanet 2484, MedGen C0025237, MONDO:0010650, OMIM 309350.
Oto-palato-digital syndrome, type II (OPD2). Also called: Otopalatodigital Syndrome Type 2 (FLNA-OPD2); FACIOPALATOOSSEOUS SYNDROME; OPD II SYNDROME; Otopalatodigital Syndrome, Type II. Identifiers: Orphanet 669, Orphanet 90652, MedGen C1844696, MONDO:0010571, OMIM 304120.
Frontometaphyseal dysplasia (FMD1). Identifiers: Orphanet 1826, MedGen C0265293, MONDO:0015942.

Submission:

Labcorp Genetics (formerly Invitae), Labcorp
Classification: Uncertain significance for Oto-palato-digital syndrome, type II; Heterotopia, periventricular, X-linked dominant; Frontometaphyseal dysplasia; Melnick-Needles syndrome. Last evaluated: 2022-06-08. Review status: criteria provided, single submitter. Criteria: Invitae Variant Classification Sherloc (09022015). Collection method: clinical testing. Allele origin: germline.
Comment: In summary, the available evidence is currently insufficient to determine the role of this variant in disease. Therefore, it has been classified as a Variant of Uncertain Significance. Algorithms developed to predict the effect of sequence changes on RNA splicing suggest that this variant may create or strengthen a splice site. This variant has not been reported in the literature in individuals affected with FLNA-related conditions. This variant is not present in population databases (gnomAD no frequency). This sequence change falls in intron 44 of the FLNA gene. It does not directly change the encoded amino acid sequence of the FLNA protein.